The following is an entry in ClinVar:

NM_000489.6(ATRX):c.4873G>A (p.Val1625Ile)

Gene: ATRX (ATRX chromatin remodeler; minus strand). Cytogenetic location: Xq21.1.
Variant type: single nucleotide variant.
Coding change: c.4873G>A on transcript NM_000489.6 (MANE Select); coding-DNA position 4873, G replaced by A.
Protein change: p.Val1625Ile; replaces valine 1625 with isoleucine.
Molecular consequence: missense variant.
Genome position (GRCh38, 1-based): chrX:77,633,649, C>T on the plus strand (G>A on the coding strand, the complement: ATRX is on the minus strand). VCF-style: chrX-77633649-C-T. GRCh37 (hg19) VCF-style: chrX-76889137-C-T.
Other names: c.4759G>A, p.Val1587Ile (NM_138270.5); short protein forms V1587I, V1625I.
Identifiers: ClinVar variation 4801100 (VCV004801100.1).

ClinVar aggregate classification (germline): Uncertain significance (1 of 4 stars; one submission).

Conditions:
Alpha thalassemia-X-linked intellectual disability syndrome (ATRX). Also called: ALPHA-THALASSEMIA/MENTAL RETARDATION SYNDROME, X-LINKED; ATR, NONDELETION TYPE; ATR-X syndrome; Alpha thalassemia mental retardation syndrome, nondeletion type, X-linked; XLMR hypotonic face syndrome; X-linked alpha-thalassemia-mental retardation syndrome. Identifiers: Orphanet 847, MedGen C1845055, MONDO:0010519, OMIM 301040.

Submission:

Labcorp Genetics (formerly Invitae), Labcorp
Classification: Uncertain significance for Alpha thalassemia-X-linked intellectual disability syndrome. Last evaluated: 2025-10-02. Review status: criteria provided, single submitter. Criteria: Invitae Variant Classification Sherloc (09022015). Collection method: clinical testing. Allele origin: germline.
Comment: This sequence change replaces valine, which is neutral and non-polar, with isoleucine, which is neutral and non-polar, at codon 1625 of the ATRX protein (p.Val1625Ile). This variant is not present in population databases (gnomAD no frequency). This variant has not been reported in the literature in individuals affected with ATRX-related conditions. Invitae Evidence Modeling of protein sequence and biophysical properties (such as structural, functional, and spatial information, amino acid conservation, physicochemical variation, residue mobility, and thermodynamic stability) indicates that this missense variant is not expected to disrupt ATRX protein function with a negative predictive value of 95%. In summary, the available evidence is currently insufficient to determine the role of this variant in disease. Therefore, it has been classified as a Variant of Uncertain Significance.